The following is an entry in ClinVar:

ClinVar aggregate classification (germline): Likely benign. Review status: criteria provided, multiple submitters, no conflicts (2 of 4 stars). 4 submissions from 4 submitters: Likely benign (3). 1 of the submissions does not count toward it. Last evaluated 2025-03-01.

Conditions:
CERT1-related disorder. Also called: CERT1-related condition.

Allele frequency attached by ClinVar (database versions not stated): ESP Exome Variant Server 0.00039; TOPMed 0.00056.
gnomAD v4.1: 876 of 1,591,032 alleles (0.055%); highest among the groups gnomAD compares: Admixed American, 0.087%; 2 homozygotes.

Submissions (4):

CeGaT Center for Human Genetics Tuebingen
Classification: Likely benign. Last evaluated: 2025-03-01. Review status: criteria provided, single submitter. Criteria: CeGaT Center For Human Genetics Tuebingen Variant Classification Criteria Version 2. Collection method: clinical testing. Allele origin: germline. Affected: yes. Observed: 1 variant allele.
Comment: CERT1: BP4, BP7

Blueprint Genetics
Classification: Likely benign. Last evaluated: 2024-02-27. Review status: criteria provided, single submitter. Criteria: ACMG Guidelines, 2015. Collection method: clinical testing. Allele origin: germline.

Labcorp Genetics (formerly Invitae), Labcorp
Classification: Likely benign. Last evaluated: 2019-12-31. Review status: criteria provided, single submitter. Criteria: Invitae Variant Classification Sherloc (09022015). Collection method: clinical testing. Allele origin: germline.

PreventionGenetics, part of Exact Sciences
Classification: Likely benign for CERT1-related condition. Last evaluated: 2019-11-16. Review status: no assertion criteria provided. Collection method: clinical testing. Allele origin: germline. Not counted in ClinVar's aggregate classification.
Comment: This variant is classified as likely benign based on ACMG/AMP sequence variant interpretation guidelines (Richards et al. 2015 PMID: 25741868, with internal and published modifications).

NM_001379029.1(CERT1):c.84G>T (p.Gly28=)

Genes: CERT1 (ceramide transporter 1; minus strand), POLK (DNA polymerase kappa; plus strand). Cytogenetic location: 5q13.3.
Variant type: single nucleotide variant.
Coding change: c.84G>T on transcript NM_001379029.1 (MANE Select); coding-DNA position 84, G replaced by T.
Protein change: p.Gly28=; no amino-acid change (glycine 28 retained).
Molecular consequence: synonymous variant.
Genome position (GRCh38, 1-based): chr5:75,511,124, C>A on the plus strand (G>T on the coding strand, the complement: CERT1 is on the minus strand). VCF-style: chr5-75511124-C-A. GRCh37 (hg19) VCF-style: chr5-74806949-C-A.
Other names: c.468G>T, p.Gly156= (NM_001130105.1); c.84G>T, p.Gly28= (NM_001379002.1, NM_001379003.1, NM_001379004.1 and 2 more transcripts).
Identifiers: ClinVar variation 738403 (VCV000738403.14), dbSNP rs150201400, ClinGen allele CA3309371.
Genomic context (GRCh38, chr5:75,511,124, plus strand): 5'-CTGCAGGTGAGTCTGGCCAGGGGTCCCTTGGCACCAGGGGTTGCTCACCTTACTGAGGAC[C>A]CCGCAGCGCTCCACAGGCGGCCCAGACTCCGTCTCTGGATCCTCCTCCGAGCCCGACGAG-3'
Protein context (NP_001365958.1, residues 18-38): TESGPPVERC[Gly28=]VLSKWTNYIH